The following is an entry in ClinVar:

NM_001035.3(RYR2):c.12588C>T (p.Thr4196=)

Genes: RYR2 (ryanodine receptor 2; plus strand), LOC126806068 (BRD4-independent group 4 enhancer GRCh37_chr1:237947411-237948610; plus strand). Cytogenetic location: 1q43.
Variant type: single nucleotide variant.
Coding change: c.12588C>T on transcript NM_001035.3 (MANE Select); coding-DNA position 12588, C replaced by T.
Protein change: p.Thr4196=; no amino-acid change (threonine 4196 retained).
Molecular consequence: synonymous variant.
Genome position (GRCh38, 1-based): chr1:237,784,300, C>T. VCF-style: chr1-237784300-C-T. GRCh37 (hg19) VCF-style: chr1-237947600-C-T.
Identifiers: ClinVar variation 2106586 (VCV002106586.5), dbSNP rs989292503, ClinGen allele CA39827782.

ClinVar aggregate classification (germline): Likely benign. Review status: criteria provided, multiple submitters, no conflicts (2 of 4 stars). 2 submissions from 2 submitters: Likely benign (2). Last evaluated 2024-07-10.

Conditions:
Catecholaminergic polymorphic ventricular tachycardia (CVPT). Also called: Catecholamine-induced polymorphic ventricular tachycardia. Identifiers: Orphanet 3286, MedGen C5574922, MONDO:0017990.
Catecholaminergic polymorphic ventricular tachycardia 1. Also called: VENTRICULAR TACHYCARDIA, STRESS-INDUCED POLYMORPHIC 1; RYR2-Related Catecholaminergic Polymorphic Ventricular Tachycardia; VENTRICULAR TACHYCARDIA, CATECHOLAMINERGIC POLYMORPHIC, 1, WITH OR WITHOUT ATRIAL DYSFUNCTION AND/OR DILATED CARDIOMYOPATHY. Identifiers: Orphanet 3286, MedGen C1631597, MONDO:0011484, OMIM 604772.

Allele frequency attached by ClinVar (database versions not stated): gnomAD exomes 0.00002.
gnomAD v4.1: 22 of 1,613,714 alleles (0.0014%); highest among the groups gnomAD compares: Non-Finnish European, 0.0019%; no homozygotes.

Submissions (2):

All of Us Research Program, National Institutes of Health
Classification: Likely benign for Catecholaminergic polymorphic ventricular tachycardia. Last evaluated: 2024-07-10. Review status: criteria provided, single submitter. Criteria: ACMG Guidelines, 2015. Collection method: clinical testing. Allele origin: germline. Inheritance: Autosomal dominant inheritance. Observed: 1 variant allele, 1 heterozygote.
Comment: This study involves interpretation of variants in research participants for the purpose of population health screening. Participant phenotype was not available at the time of variant classification. Additional details can be found in publication PMID: 35346344, PMCID: PMC8962531

Labcorp Genetics (formerly Invitae), Labcorp
Classification: Likely benign for Catecholaminergic polymorphic ventricular tachycardia 1. Last evaluated: 2023-02-01. Review status: criteria provided, single submitter. Criteria: Invitae Variant Classification Sherloc (09022015). Collection method: clinical testing. Allele origin: germline.